The following is an entry in ClinVar:

NM_001378418.1(TCF20):c.1467C>T (p.Pro489=)

Gene: TCF20 (transcription factor 20; minus strand). Cytogenetic location: 22q13.2.
Variant type: single nucleotide variant.
Coding change: c.1467C>T on transcript NM_001378418.1 (MANE Select); coding-DNA position 1467, C replaced by T.
Protein change: p.Pro489=; no amino-acid change (proline 489 retained).
Molecular consequence: synonymous variant.
Genome position (GRCh38, 1-based): chr22:42,213,839, G>A on the plus strand (C>T on the coding strand, the complement: TCF20 is on the minus strand). VCF-style: chr22-42213839-G-A. GRCh37 (hg19) VCF-style: chr22-42609845-G-A.
Other names: c.1467C>T, p.Pro489= (NM_005650.4, NM_181492.3).
Identifiers: ClinVar variation 769163 (VCV000769163.32), dbSNP rs78356795, ClinGen allele CA10267173.

ClinVar aggregate classification (germline): Benign. Review status: criteria provided, multiple submitters, no conflicts (2 of 4 stars). 3 submissions from 3 submitters: Benign (3). Last evaluated 2026-09-01.

Allele frequency attached by ClinVar (database versions not stated): ExAC 0.00799; ESP Exome Variant Server 0.00846; gnomAD exomes 0.01127 and 0.00779; 1000 Genomes Project 30x 0.00578; 1000 Genomes Project 0.00599; TOPMed 0.00673; gnomAD 0.00684 and 0.00718.
gnomAD v4.1: 17,520 of 1,614,164 alleles (1.1%); highest among the groups gnomAD compares: South Asian, 1.3%; 129 homozygotes.

Submissions (3):

CeGaT Center for Human Genetics Tuebingen
Classification: Benign. Last evaluated: 2026-09-01. Review status: criteria provided, single submitter. Criteria: CeGaT Center For Human Genetics Tuebingen Variant Classification Criteria Version 2. Collection method: clinical testing. Allele origin: germline. Affected: yes. Observed: 32 variant alleles.
Comment: TCF20: BP4, BP7, BS1, BS2

Labcorp Genetics (formerly Invitae), Labcorp
Classification: Benign. Last evaluated: 2026-01-26. Review status: criteria provided, single submitter. Criteria: Invitae Variant Classification Sherloc (09022015). Collection method: clinical testing. Allele origin: germline.

Breakthrough Genomics
Classification: Benign. Review status: criteria provided, single submitter. Criteria: ACMG Guidelines, 2015. Collection method: not provided. Allele origin: germline. Inheritance: Autosomal dominant inheritance. Affected: yes.